The following is an entry in ClinVar:

NM_004608.4(TBX6):c.13C>G (p.Arg5Gly)

Gene: TBX6 (T-box transcription factor 6; minus strand). Cytogenetic location: 16p11.2.
Variant type: single nucleotide variant.
Coding change: c.13C>G on transcript NM_004608.4 (MANE Select); coding-DNA position 13, C replaced by G.
Protein change: p.Arg5Gly; replaces arginine 5 with glycine.
Molecular consequence: missense variant.
Genome position (GRCh38, 1-based): chr16:30,091,181, G>C on the plus strand (C>G on the coding strand, the complement: TBX6 is on the minus strand). VCF-style: chr16-30091181-G-C. GRCh37 (hg19) VCF-style: chr16-30102502-G-C.
Other names: short protein forms R5G.
Identifiers: ClinVar variation 1936346 (VCV001936346.5), dbSNP rs1292497173, ClinGen allele CA395523062.
Genomic context (GRCh38, chr16:30,091,181, plus strand): 5'-CGGCCCCAGGTTGGGCGGGCCCCAGGCGGTAGCCGGCCCCCAGGGACGGGTACAATTCTC[G>C]TGGATGGTACATGTTGTAGTTCCGTCTGGCCTCAGGTCTCGCTGCTTAGGGCCCCCGGTG-3'
Protein context (NP_004599.2, residues 1-15): MYHP[Arg5Gly]ELYPSLGAGY

ClinVar aggregate classification (germline): Uncertain significance (1 of 4 stars; one submission).

gnomAD v4.1: 2 of 1,584,980 alleles (0.00013%); highest among the groups gnomAD compares: Non-Finnish European, 0.00017%; no homozygotes.

Submission:

Labcorp Genetics (formerly Invitae), Labcorp
Classification: Uncertain significance. Last evaluated: 2022-07-06. Review status: criteria provided, single submitter. Criteria: Invitae Variant Classification Sherloc (09022015). Collection method: clinical testing. Allele origin: germline.
Comment: In summary, the available evidence is currently insufficient to determine the role of this variant in disease. Therefore, it has been classified as a Variant of Uncertain Significance. Algorithms developed to predict the effect of missense changes on protein structure and function are either unavailable or do not agree on the potential impact of this missense change (SIFT: "Deleterious"; PolyPhen-2: "Benign"; Align-GVGD: "Class C0"). This variant has not been reported in the literature in individuals affected with TBX6-related conditions. This variant is present in population databases (no rsID available, gnomAD 0.001%). This sequence change replaces arginine, which is basic and polar, with glycine, which is neutral and non-polar, at codon 5 of the TBX6 protein (p.Arg5Gly).